The following is an entry in ClinVar:

ClinVar aggregate classification (germline): Likely pathogenic (1 of 4 stars; one submission).

Submission:

Labcorp Genetics (formerly Invitae), Labcorp
Classification: Likely pathogenic. Last evaluated: 2020-10-27. Review status: criteria provided, single submitter. Criteria: Invitae Variant Classification Sherloc (09022015). Collection method: clinical testing. Allele origin: germline.
Comment: In summary, the currently available evidence indicates that the variant is pathogenic, but additional data are needed to prove that conclusively. Therefore, this variant has been classified as Likely Pathogenic. This variant has not been reported in the literature in individuals with F11-related conditions. This variant results in the deletion of exon(s) 9-10 and part of exon 8 (c.792_1136-1345delinsTTTAAT) of the F11 gene. It is expected to disrupt RNA splicing. Variants that disrupt the donor or acceptor splice site typically lead to a loss of protein function (PMID: 16199547), and loss-of-function variants in F11 are known to be pathogenic (PMID: 23929304).

Literature cited by the submitters: PubMed 16199547; PubMed 23929304.

NC_000004.11:g.(?_187201202)_(187203901_?)del

Gene: F11 (coagulation factor XI; plus strand). Cytogenetic location: 4q35.2.
Variant type: Deletion.
Identifiers: ClinVar variation 1347143 (VCV001347143.4).